The following is an entry in ClinVar:

ClinVar aggregate classification (germline): Benign. Review status: criteria provided, multiple submitters, no conflicts (2 of 4 stars). 3 submissions from 3 submitters: Benign (2). 1 of the submissions does not count toward it. Last evaluated 2020-10-28.

Conditions:
Acute myeloblastic leukemia with maturation. Also called: Acute myeloid leukemia with maturation. Identifiers: Orphanet 98834, MedGen C1879321, MONDO:0020320.

Allele frequency attached by ClinVar (database versions not stated): gnomAD 0.71928 and 0.72538; TOPMed 0.72734; 1000 Genomes Project 30x 0.79169; 1000 Genomes Project 0.79573.

Submissions (3):

H3Africa Consortium
Classification: Benign. Last evaluated: 2020-10-28. Review status: criteria provided, single submitter. Criteria: Choudhury A et al. (Nature 2020). Collection method: research. Allele origin: germline. Study: H3Africa.
Comment: While the frequency of the alternate allele in gnoMAD v2.0.2 is 0.896, its frequency in African populations is >5%. This suggests that previous classifications of this variant as pathogenic are in error.

Breakthrough Genomics
Classification: Benign. Review status: criteria provided, single submitter. Criteria: ACMG Guidelines, 2015. Collection method: not provided. Allele origin: germline. Inheritance: Unknown mechanism. Affected: yes.

Fujian Institute of Hematology, Fujian Medical University
Classification: Pathogenic for Acute myeloblastic leukemia with maturation. Review status: no assertion criteria provided. Collection method: case-control. Allele origin: germline. Affected: yes. Not counted in ClinVar's aggregate classification.
Comment: This variant contributes to development of AML-M2

Literature cited by the submitters: PubMed 29254171 (cited by Fujian Institute of Hematology, Fujian Medical University).

NC_000001.11:g.198898549G>T

Gene: MIR181A1HG (MIR181A1 host gene; minus strand). Cytogenetic location: 1q32.1.
Variant type: single nucleotide variant.
Genome position: GRCh38 VCF-style: chr1-198898549-G-T. GRCh37 (hg19) VCF-style: chr1-198867678-G-T.
Identifiers: ClinVar variation 427754 (VCV000427754.4), dbSNP rs60639710, ClinGen allele CA15074967.